The following is an entry in ClinVar:

NM_001379200.1(TBX1):c.1304A>G (p.Tyr435Cys)

Gene: TBX1 (T-box transcription factor 1; plus strand). Cytogenetic location: 22q11.21.
Variant type: single nucleotide variant.
Coding change: c.1304A>G on transcript NM_001379200.1 (MANE Select); coding-DNA position 1304, A replaced by G.
Protein change: p.Tyr435Cys; replaces tyrosine 435 with cysteine.
Molecular consequence: missense variant. On other transcripts: intron variant (2).
Genome position (GRCh38, 1-based): chr22:19,766,656, A>G. VCF-style: chr22-19766656-A-G. GRCh37 (hg19) VCF-style: chr22-19754179-A-G.
Other names: c.1277A>G, p.Tyr426Cys (NM_080647.1); c.1009+654A>G (NM_005992.1, NM_080646.2); short protein forms Y426C, Y435C.
Identifiers: ClinVar variation 1043558 (VCV001043558.10), dbSNP rs1386894564, ClinGen allele CA410684913.

ClinVar aggregate classification (germline): Uncertain significance. Review status: criteria provided, multiple submitters, no conflicts (2 of 4 stars). 3 submissions from 3 submitters: Uncertain significance (3). Last evaluated 2025-09-25.

Conditions:
DiGeorge syndrome. Also called: Catch22; THIRD AND FOURTH PHARYNGEAL POUCH SYNDROME. Identifiers: Orphanet 567, MedGen C0012236, MONDO:0008564, OMIM 188400.
TBX1-related disorder. Also called: TBX1-Related Disorders; TBX1-related condition.

Allele frequency attached by ClinVar (database versions not stated): gnomAD 0.00001; gnomAD exomes 0.00001; TOPMed 0.00002.
gnomAD v4.1: 11 of 1,551,568 alleles (0.00071%); highest among the groups gnomAD compares: African/African-American, 0.0071%; no homozygotes.

Submissions (3):

Labcorp Genetics (formerly Invitae), Labcorp
Classification: Uncertain significance for DiGeorge syndrome. Last evaluated: 2025-09-25. Review status: criteria provided, single submitter. Criteria: Invitae Variant Classification Sherloc (09022015). Collection method: clinical testing. Allele origin: germline.
Comment: This sequence change replaces tyrosine, which is neutral and polar, with cysteine, which is neutral and slightly polar, at codon 426 of the TBX1 protein (p.Tyr426Cys). The frequency data for this variant in the population databases is considered unreliable, as metrics indicate poor data quality at this position in the gnomAD database. This variant has not been reported in the literature in individuals affected with TBX1-related conditions. ClinVar contains an entry for this variant (Variation ID: 1043558). An algorithm developed to predict the effect of missense changes on protein structure and function (PolyPhen-2) suggests that this variant is likely to be disruptive. In summary, the available evidence is currently insufficient to determine the role of this variant in disease. Therefore, it has been classified as a Variant of Uncertain Significance.

Women's Health and Genetics/Laboratory Corporation of America, LabCorp
Classification: Uncertain significance. Last evaluated: 2025-03-03. Review status: criteria provided, single submitter. Criteria: LabCorp Variant Classification Summary - May 2015. Collection method: clinical testing. Allele origin: germline.
Comment: Variant summary: TBX1 c.1277A>G (p.Tyr426Cys) results in a non-conservative amino acid change in the encoded protein sequence. Five of five in-silico tools predict a damaging effect of the variant on protein function. The variant allele was found at a frequency of 5.4e-06 in 183766 control chromosomes (gnomAD). The available data on variant occurrences in the general population are insufficient to allow any conclusion about variant significance. To our knowledge, no occurrence of c.1277A>G in individuals affected with TBX1-Related Disorders and no experimental evidence demonstrating its impact on protein function have been reported. ClinVar contains an entry for this variant (Variation ID: 1043558). Based on the evidence outlined above, the variant was classified as uncertain significance.

PreventionGenetics, part of Exact Sciences
Classification: Uncertain significance for TBX1-related condition. Last evaluated: 2023-03-10. Review status: criteria provided, single submitter. Criteria: ACMG Guidelines, 2015. Collection method: clinical testing. Allele origin: germline.
Comment: The TBX1 c.1277A>G variant is predicted to result in the amino acid substitution p.Tyr426Cys. To our knowledge, this variant has not been reported in the literature. This variant is reported in 0.0012% of alleles in individuals of European (Non-Finnish) descent in gnomAD. At this time, the clinical significance of this variant is uncertain due to the absence of conclusive functional and genetic evidence.

Literature cited by the submitters: PubMed 27626068 (cited by Women's Health and Genetics/Laboratory Corporation of America, LabCorp).